The following is an entry in ClinVar:

NM_007186.6(CEP250):c.5299G>A (p.Gly1767Ser)

Gene: CEP250 (centrosomal protein 250; plus strand). Cytogenetic location: 20q11.22.
Variant type: single nucleotide variant.
Coding change: c.5299G>A on transcript NM_007186.6 (MANE Select); coding-DNA position 5299, G replaced by A.
Protein change: p.Gly1767Ser; replaces glycine 1767 with serine.
Molecular consequence: missense variant.
Genome position (GRCh38, 1-based): chr20:35,503,668, G>A. VCF-style: chr20-35503668-G-A. GRCh37 (hg19) VCF-style: chr20-34091496-G-A.
Other names: c.3403G>A, p.Gly1135Ser (NM_001318219.1); short protein forms G1135S, G1767S.
Identifiers: ClinVar variation 1346534 (VCV001346534.6), dbSNP rs2147162790, ClinGen allele CA408752480.

ClinVar aggregate classification (germline): Uncertain significance (1 of 4 stars; one submission).

Submission:

Labcorp Genetics (formerly Invitae), Labcorp
Classification: Uncertain significance. Last evaluated: 2024-02-24. Review status: criteria provided, single submitter. Criteria: Invitae Variant Classification Sherloc (09022015). Collection method: clinical testing. Allele origin: germline.
Comment: This sequence change replaces glycine with serine at codon 1767 of the CEP250 protein (p.Gly1767Ser). The glycine residue is moderately conserved and there is a small physicochemical difference between glycine and serine. This variant is not present in population databases (gnomAD no frequency). This variant has not been reported in the literature in individuals affected with CEP250-related conditions. ClinVar contains an entry for this variant (Variation ID: 1346534). Algorithms developed to predict the effect of missense changes on protein structure and function output the following: SIFT: "Not Available"; PolyPhen-2: "Benign"; Align-GVGD: "Not Available". The serine amino acid residue is found in multiple mammalian species, which suggests that this missense change does not adversely affect protein function. In summary, the available evidence is currently insufficient to determine the role of this variant in disease. Therefore, it has been classified as a Variant of Uncertain Significance.